The following is an entry in ClinVar:

ClinVar aggregate classification (germline): Uncertain significance. Review status: criteria provided, multiple submitters, no conflicts (2 of 4 stars). 2 submissions from 2 submitters: Uncertain significance (2). Last evaluated 2026-02-18.

Conditions:
Inborn genetic diseases. Identifiers: MedGen C0950123, MeSH D030342.

Submissions (2):

GeneDx
Classification: Uncertain significance. Last evaluated: 2026-02-18. Review status: criteria provided, single submitter. Criteria: GeneDx Variant Classification Process June 2021. Collection method: clinical testing. Allele origin: germline.
Comment: Not observed at significant frequency in large population cohorts (gnomAD); In silico analysis supports that this missense variant has a deleterious effect on protein structure/function; Has not been previously published as pathogenic or benign to our knowledge

Ambry Genetics
Classification: Uncertain significance for Inborn genetic diseases. Last evaluated: 2025-08-10. Review status: criteria provided, single submitter. Criteria: Ambry Variant Classification Scheme 2023. Collection method: clinical testing. Allele origin: germline.

NM_182641.4(BPTF):c.1696G>C (p.Asp566His)

Gene: BPTF (bromodomain PHD finger transcription factor; plus strand). Cytogenetic location: 17q24.2.
Variant type: single nucleotide variant.
Coding change: c.1696G>C on transcript NM_182641.4 (MANE Select); coding-DNA position 1696, G replaced by C.
Protein change: p.Asp566His; replaces aspartic acid 566 with histidine.
Molecular consequence: missense variant.
Genome position (GRCh38, 1-based): chr17:67,874,852, G>C. VCF-style: chr17-67874852-G-C. GRCh37 (hg19) VCF-style: chr17-65870968-G-C.
Other names: c.1696G>C (NM_004459.6); c.1696G>C, p.Asp566His (NM_001439139.1, NM_001439140.1, NM_001439141.1 and 4 more transcripts); short protein forms D566H.
Identifiers: ClinVar variation 4214991 (VCV004214991.2).